The following is an entry in ClinVar:

NM_001122630.2(CDKN1C):c.607C>T (p.Pro203Ser)

Gene: CDKN1C (cyclin dependent kinase inhibitor 1C; minus strand). Cytogenetic location: 11p15.4.
Variant type: single nucleotide variant.
Coding change: c.607C>T on transcript NM_001122630.2 (MANE Select); coding-DNA position 607, C replaced by T.
Protein change: p.Pro203Ser; replaces proline 203 with serine.
Molecular consequence: missense variant. On other transcripts: intron variant (1).
Genome position (GRCh38, 1-based): chr11:2,884,850, G>A on the plus strand (C>T on the coding strand, the complement: CDKN1C is on the minus strand). VCF-style: chr11-2884850-G-A. GRCh37 (hg19) VCF-style: chr11-2906080-G-A.
Other names: c.640C>T, p.Pro214Ser (NM_000076.2, NM_001362474.2); c.607C>T, p.Pro203Ser (NM_001122631.2); c.255+352C>T (NM_001362475.2); short protein forms P214S, P203S.
Identifiers: ClinVar variation 2910802 (VCV002910802.5), dbSNP rs562237921, ClinGen allele CA379146144.

ClinVar aggregate classification (germline): Uncertain significance. Review status: criteria provided, multiple submitters, no conflicts (2 of 4 stars). 2 submissions from 2 submitters: Uncertain significance (2). Last evaluated 2026-01-11.

Conditions:
Beckwith-Wiedemann syndrome (BWS). Also called: EMG SYNDROME; Exomphalos macroglossia gigantism syndrome. Identifiers: Orphanet 116, MedGen C0004903, MONDO:0007534, OMIM 130650.

gnomAD v4.1: 1 of 1,136,614 alleles (0.000088%); highest among the groups gnomAD compares: Non-Finnish European, 0.00011%; no homozygotes.

Submissions (2):

Dasa
Classification: Uncertain significance. Last evaluated: 2026-01-11. Review status: criteria provided, single submitter. Criteria: DASA Assertion Criteria. Collection method: clinical testing. Allele origin: germline.
Comment: NM_001122630.2(CDKN1C):c.607C>T (p.Pro203Ser) is a missense variant that results in the substitution of proline with serine. This variant is rare in population databases. Computational prediction algorithms are consistent with a benign effect. The currently available literature and clinical evidence are not sufficient to establish a definitive association between this variant and the reported condition. Therefore, this variant is classified as a variant of uncertain significance.

Labcorp Genetics (formerly Invitae), Labcorp
Classification: Uncertain significance for Beckwith-Wiedemann syndrome. Last evaluated: 2023-10-04. Review status: criteria provided, single submitter. Criteria: Invitae Variant Classification Sherloc (09022015). Collection method: clinical testing. Allele origin: germline.
Comment: This sequence change replaces proline, which is neutral and non-polar, with serine, which is neutral and polar, at codon 214 of the CDKN1C protein (p.Pro214Ser). This variant is not present in population databases (gnomAD no frequency). This variant has not been reported in the literature in individuals affected with CDKN1C-related conditions. Advanced modeling of protein sequence and biophysical properties (such as structural, functional, and spatial information, amino acid conservation, physicochemical variation, residue mobility, and thermodynamic stability) performed at Invitae indicates that this missense variant is not expected to disrupt CDKN1C protein function. In summary, the available evidence is currently insufficient to determine the role of this variant in disease. Therefore, it has been classified as a Variant of Uncertain Significance.